The following is an entry in ClinVar:

NM_001204.6(BMPR2):c.(?_-1)_(529+1_530-1)del

Genes: BMPR2 (bone morphogenetic protein receptor type 2; plus strand), LOC129935435 (ATAC-STARR-seq lymphoblastoid active region 17001; plus strand). Cytogenetic location: 2q33.1-33.2.
Variant type: Deletion.
Coding change: c.(?_-1)_(529+1_530-1)del on transcript NM_001204.6; a large deletion whose breakpoints are not mapped to the base.
Other names: c.1-?_529+?del (NM_001204.6); c.(?_-1)_(529+1_530-1)del (LRG_712t1).
Identifiers: ClinVar variation 425673 (VCV000425673.1).

ClinVar aggregate classification (germline): Pathogenic (0 of 4 stars; one submission).

Conditions:
Pulmonary hypertension, primary, 1 (PPH1). Also called: Pulmonary hypertension, familial primary, 1, with or without HHT. Identifiers: Orphanet 422, MedGen C4552070, MONDO:0024533, OMIM 178600.

Submission:

Rare Disease Genomics Group, St George's University of London
Classification: Pathogenic for Primary pulmonary hypertension. Review status: no assertion criteria provided. Collection method: literature only. Allele origin: germline. Affected: yes.
Comment: Deletion of exons 1-4

Literature cited by the submitters: PubMed 19555857.